The following is an entry in ClinVar:

ClinVar aggregate classification (germline): Uncertain significance (1 of 4 stars; one submission).

Conditions:
Neuroblastoma, susceptibility to, 3. Also called: ALK-Related Neuroblastic Tumor Susceptibility. Identifiers: Orphanet 635, MedGen C2751681, MONDO:0013083, OMIM 613014.

Submission:

Labcorp Genetics (formerly Invitae), Labcorp
Classification: Uncertain significance for Neuroblastoma, susceptibility to, 3. Last evaluated: 2022-12-20. Review status: criteria provided, single submitter. Criteria: Invitae Variant Classification Sherloc (09022015). Collection method: clinical testing. Allele origin: germline.
Comment: In summary, the available evidence is currently insufficient to determine the role of this variant in disease. Therefore, it has been classified as a Variant of Uncertain Significance. Algorithms developed to predict the effect of missense changes on protein structure and function (SIFT, PolyPhen-2, Align-GVGD) all suggest that this variant is likely to be disruptive. This variant has not been reported in the literature in individuals affected with ALK-related conditions. This variant is not present in population databases (gnomAD no frequency). This sequence change replaces alanine, which is neutral and non-polar, with valine, which is neutral and non-polar, at codon 900 of the ALK protein (p.Ala900Val).

NM_004304.5(ALK):c.2699C>T (p.Ala900Val)

Gene: ALK (ALK receptor tyrosine kinase; minus strand). Cytogenetic location: 2p23.2.
Variant type: single nucleotide variant.
Coding change: c.2699C>T on transcript NM_004304.5 (MANE Select); coding-DNA position 2699, C replaced by T.
Protein change: p.Ala900Val; replaces alanine 900 with valine.
Molecular consequence: missense variant.
Genome position (GRCh38, 1-based): chr2:29,229,000, G>A on the plus strand (C>T on the coding strand, the complement: ALK is on the minus strand). VCF-style: chr2-29229000-G-A. GRCh37 (hg19) VCF-style: chr2-29451866-G-A.
Other names: short protein forms A900V.
Identifiers: ClinVar variation 2887398 (VCV002887398.3), dbSNP rs2148180643, ClinGen allele CA346469912.